The following is an entry in ClinVar:

ClinVar aggregate classification (germline): Conflicting classifications of pathogenicity. Review status: criteria provided, conflicting classifications (1 of 4 stars). 7 submissions from 7 submitters: Uncertain significance (5); Likely benign (1). 1 of the submissions does not count toward it. Last evaluated 2025-11-21.

Conditions:
Neuromuscular disease caused by qualitative or quantitative defects of dysferlin. Also called: Dysferlinopathy; Qualitative or quantitative defects of dysferlin. Identifiers: Orphanet 207073, MedGen C2931687, MONDO:0016145.
Autosomal recessive limb-girdle muscular dystrophy type 2B (LGMDR2). Also called: Limb-Girdle Muscular Dystrophy Type 2B (LGMD2B); MUSCULAR DYSTROPHY, LIMB-GIRDLE, TYPE 3; Limb-girdle muscular dystrophy, type 2B; MUSCULAR DYSTROPHY, LIMB-GIRDLE, AUTOSOMAL RECESSIVE 2. Identifiers: Orphanet 268, MedGen C1850889, MONDO:0009676, OMIM 253601.
Inborn genetic diseases. Identifiers: MedGen C0950123, MeSH D030342.

Allele frequency attached by ClinVar (database versions not stated): gnomAD exomes below 0.00001 and 0.00002; ExAC 0.00002; gnomAD 0.00005 and 0.00006; ESP Exome Variant Server 0.00008; TOPMed 0.00011.
gnomAD v4.1: 14 of 1,610,454 alleles (0.00087%); highest among the groups gnomAD compares: African/African-American, 0.019%; no homozygotes.

Submissions (7):

Labcorp Genetics (formerly Invitae), Labcorp
Classification: Likely benign for Neuromuscular disease caused by qualitative or quantitative defects of dysferlin. Last evaluated: 2025-11-21. Review status: criteria provided, single submitter. Criteria: Invitae Variant Classification Sherloc (09022015). Collection method: clinical testing. Allele origin: germline.

Ambry Genetics
Classification: Uncertain significance for Inborn genetic diseases. Last evaluated: 2024-05-28. Review status: criteria provided, single submitter. Criteria: Ambry Variant Classification Scheme 2023. Collection method: clinical testing. Allele origin: germline.

Blueprint Genetics
Classification: Uncertain significance. Last evaluated: 2023-01-13. Review status: criteria provided, single submitter. Criteria: ACMG Guidelines, 2015. Collection method: clinical testing. Allele origin: germline.

Athena Diagnostics
Classification: Uncertain significance. Last evaluated: 2021-02-05. Review status: criteria provided, single submitter. Criteria: Athena Diagnostics criteria. Collection method: clinical testing. Allele origin: unknown.

Revvity Omics, Revvity
Classification: Uncertain significance. Last evaluated: 2020-12-09. Review status: criteria provided, single submitter. Criteria: ACMG Guidelines, 2015. Collection method: clinical testing. Allele origin: germline.

GeneDx
Classification: Uncertain significance. Last evaluated: 2019-12-16. Review status: criteria provided, single submitter. Criteria: GeneDx Variant Classification Process June 2021. Collection method: clinical testing. Allele origin: germline. Affected: yes.
Comment: In silico analysis, which includes protein predictors and evolutionary conservation, supports a deleterious effect; Has not been previously published as pathogenic or benign to our knowledge

Natera, Inc.
Classification: Uncertain significance for Limb-girdle muscular dystrophy type 2B. Last evaluated: 2020-10-12. Review status: no assertion criteria provided. Collection method: clinical testing. Allele origin: germline. Not counted in ClinVar's aggregate classification.

NM_001130987.2(DYSF):c.1774G>T (p.Asp592Tyr)

Gene: DYSF (dysferlin; plus strand). Cytogenetic location: 2p13.2.
Variant type: single nucleotide variant.
Coding change: c.1774G>T on transcript NM_001130987.2 (MANE Select); coding-DNA position 1774, G replaced by T.
Protein change: p.Asp592Tyr; replaces aspartic acid 592 with tyrosine.
Molecular consequence: missense variant.
Genome position (GRCh38, 1-based): chr2:71,551,688, G>T. VCF-style: chr2-71551688-G-T. GRCh37 (hg19) VCF-style: chr2-71778818-G-T.
Other names: c.1723G>T, p.Asp575Tyr (NM_001130455.2, NM_001130983.2); c.1678G>T, p.Asp560Tyr (NM_001130976.2, NM_001130977.2); c.1720G>T, p.Asp574Tyr (NM_001130978.2, NM_003494.4); c.1813G>T, p.Asp605Tyr (NM_001130979.2); c.1771G>T, p.Asp591Tyr (NM_001130980.2, NM_001130981.2); c.1816G>T, p.Asp606Tyr (NM_001130982.2); c.1681G>T, p.Asp561Tyr (NM_001130984.2, NM_001130986.2); c.1774G>T, p.Asp592Tyr (NM_001130985.2); short protein forms D575Y, D560Y, D592Y, D561Y, D574Y, D591Y, D605Y, D606Y.
Identifiers: ClinVar variation 659019 (VCV000659019.14), dbSNP rs376932915, ClinGen allele CA1705922.
Genomic context (GRCh38, chr2:71,551,688, plus strand): 5'-GGCCGGCTTCTGCTCTCCCTGGAGACCAAGCTGGTGGAGCACAGTGAACAGAAGGTGGAG[G>T]ACCTTCCTGCGGATGACATCCTCCGGGTGGAGGTGAGGGGTGTGGCTCTGGGTGGGAGCT-3'
Protein context (NP_001124459.1, residues 582-602): LVEHSEQKVE[Asp592Tyr]LPADDILRVE